The following is an entry in ClinVar:

NM_001322934.2(NFKB2):c.2350G>C (p.Gly784Arg)

Gene: NFKB2 (nuclear factor kappa B subunit 2; plus strand). Cytogenetic location: 10q24.32.
Variant type: single nucleotide variant.
Coding change: c.2350G>C on transcript NM_001322934.2 (MANE Select); coding-DNA position 2350, G replaced by C.
Protein change: p.Gly784Arg; replaces glycine 784 with arginine.
Molecular consequence: missense variant.
Genome position (GRCh38, 1-based): chr10:102,401,801, G>C. VCF-style: chr10-102401801-G-C. GRCh37 (hg19) VCF-style: chr10-104161558-G-C.
Other names: c.2350G>C, p.Gly784Arg (NM_001077493.1, NM_001077494.3, NM_001261403.3 and 2 more transcripts); c.2224G>C, p.Gly742Arg (NM_001322935.1); short protein forms G742R, G784R.
Identifiers: ClinVar variation 3197849 (VCV003197849.3), dbSNP rs367889547, ClinGen allele CA377905504.
Genomic context (GRCh38, chr10:102,401,801, plus strand): 5'-TAAGGGCCGGGACTGTCACTTGGTGATACAGCTCTGCAGAACCTGGAGCAGCTGCTAGAC[G>C]GGCCAGAAGCCCAGGGCAGCTGGGCAGAGCTGGCAGAGCGTCTGGGGCTGCGCAGCCTGG-3'
Protein context (NP_001309863.1, residues 774-794): ALQNLEQLLD[Gly784Arg]PEAQGSWAEL

ClinVar aggregate classification (germline): Uncertain significance. Review status: criteria provided, multiple submitters, no conflicts (2 of 4 stars). 2 submissions from 2 submitters: Uncertain significance (2). Last evaluated 2024-10-21.

Conditions:
Immunodeficiency, common variable, 10. Also called: IMMUNODEFICIENCY, COMMON VARIABLE, WITH CENTRAL ADRENAL INSUFFICIENCY; DEFICIT IN ANTERIOR PITUITARY FUNCTION AND VARIABLE IMMUNODEFICIENCY. Identifiers: MedGen C3809991, MONDO:0014260, OMIM 615577.
Inborn genetic diseases. Identifiers: MedGen C0950123, MeSH D030342.

gnomAD v4.1: 1 of 1,613,742 alleles (0.000062%); highest among the groups gnomAD compares: East Asian, 0.0022%; no homozygotes.

Submissions (2):

Labcorp Genetics (formerly Invitae), Labcorp
Classification: Uncertain significance for Immunodeficiency, common variable, 10. Last evaluated: 2024-10-21. Review status: criteria provided, single submitter. Criteria: Invitae Variant Classification Sherloc (09022015). Collection method: clinical testing. Allele origin: germline.
Comment: This sequence change replaces glycine, which is neutral and non-polar, with arginine, which is basic and polar, at codon 784 of the NFKB2 protein (p.Gly784Arg). This variant is present in population databases (no rsID available, gnomAD 0.006%). This variant has not been reported in the literature in individuals affected with NFKB2-related conditions. An algorithm developed to predict the effect of missense changes on protein structure and function outputs the following: PolyPhen-2: "Benign". The arginine amino acid residue is found in multiple mammalian species, which suggests that this missense change does not adversely affect protein function. In summary, the available evidence is currently insufficient to determine the role of this variant in disease. Therefore, it has been classified as a Variant of Uncertain Significance.

Ambry Genetics
Classification: Uncertain significance for Inborn genetic diseases. Last evaluated: 2024-02-06. Review status: criteria provided, single submitter. Criteria: Ambry Variant Classification Scheme 2023. Collection method: clinical testing. Allele origin: germline.